The following is an entry in ClinVar:

ClinVar aggregate classification (germline): Uncertain significance (1 of 4 stars; one submission).

Submission:

Ambry Genetics
Classification: Uncertain significance. Last evaluated: 2023-03-26. Review status: criteria provided, single submitter. Criteria: Ambry Variant Classification Scheme 2023. Collection method: clinical testing. Allele origin: germline.
Comment: The p.M604I variant (also known as c.1812G>A), located in coding exon 16 of the RAD54L gene, results from a G to A substitution at nucleotide position 1812. The methionine at codon 604 is replaced by isoleucine, an amino acid with highly similar properties. This amino acid position is conserved. In addition, this alteration is predicted to be deleterious by in silico analysis. Since supporting evidence is limited at this time, the clinical significance of this alteration remains unclear.

NM_003579.4(RAD54L):c.1812G>A (p.Met604Ile)

Gene: RAD54L (RAD54 like; plus strand). Cytogenetic location: 1p34.1.
Variant type: single nucleotide variant.
Coding change: c.1812G>A on transcript NM_003579.4 (MANE Select); coding-DNA position 1812, G replaced by A.
Protein change: p.Met604Ile; replaces methionine 604 with isoleucine.
Molecular consequence: missense variant.
Genome position (GRCh38, 1-based): chr1:46,274,660, G>A. VCF-style: chr1-46274660-G-A. GRCh37 (hg19) VCF-style: chr1-46740332-G-A.
Other names: c.1812G>A, p.Met604Ile (NM_001142548.2); c.1272G>A, p.Met424Ile (NM_001370766.1); short protein forms M604I, M424I.
Identifiers: ClinVar variation 2560348 (VCV002560348.2), dbSNP rs2525718798, ClinGen allele CA340186098.
Genomic context (GRCh38, chr1:46,274,660, plus strand): 5'-GGCTAACCGGCTGGTCATGTTTGACCCTGACTGGAACCCAGCCAATGATGAACAAGCCAT[G>A]GCCCGGGTCTGGCGAGATGGTCAAAAGAAGACTTGCTATATCTACCGCCTGCTGTCTGTA-3'
Protein context (NP_003570.2, residues 594-614): DWNPANDEQA[Met604Ile]ARVWRDGQKK